The following is an entry in ClinVar:

ClinVar aggregate classification (germline): Uncertain significance (1 of 4 stars; one submission).

Submission:

Labcorp Genetics (formerly Invitae), Labcorp
Classification: Uncertain significance. Last evaluated: 2021-09-14. Review status: criteria provided, single submitter. Criteria: Invitae Variant Classification Sherloc (09022015). Collection method: clinical testing. Allele origin: germline.
Comment: In summary, the available evidence is currently insufficient to determine the role of this variant in disease. Therefore, it has been classified as a Variant of Uncertain Significance. This variant is not present in population databases (ExAC no frequency). This variant has not been reported in the literature in individuals affected with SLC45A2-related conditions. This sequence change replaces isoleucine with phenylalanine at codon 159 of the SLC45A2 protein (p.Ile159Phe). The isoleucine residue is highly conserved and there is a small physicochemical difference between isoleucine and phenylalanine. Algorithms developed to predict the effect of missense changes on protein structure and function are either unavailable or do not agree on the potential impact of this missense change (SIFT: "Deleterious"; PolyPhen-2: "Probably Damaging"; Align-GVGD: "Class C0").

NM_016180.5(SLC45A2):c.475A>T (p.Ile159Phe)

Gene: SLC45A2 (solute carrier family 45 member 2; minus strand). Cytogenetic location: 5p13.2.
Variant type: single nucleotide variant.
Coding change: c.475A>T on transcript NM_016180.5 (MANE Select); coding-DNA position 475, A replaced by T.
Protein change: p.Ile159Phe; replaces isoleucine 159 with phenylalanine.
Molecular consequence: missense variant.
Genome position (GRCh38, 1-based): chr5:33,982,323, T>A on the plus strand (A>T on the coding strand, the complement: SLC45A2 is on the minus strand). VCF-style: chr5-33982323-T-A. GRCh37 (hg19) VCF-style: chr5-33982428-T-A.
Other names: c.475A>T, p.Ile159Phe (NM_001012509.4, NM_001297417.4); short protein forms I159F.
Identifiers: ClinVar variation 1445147 (VCV001445147.6), dbSNP rs2112015029, ClinGen allele CA359396640.